The following is an entry in ClinVar:

ClinVar aggregate classification (germline): Uncertain significance (1 of 4 stars; one submission).

Allele frequency attached by ClinVar (database versions not stated): gnomAD exomes 0.00001 and 0.00002; TOPMed 0.00001; ExAC 0.00005.
gnomAD v4.1: 20 of 1,595,854 alleles (0.0013%); highest among the groups gnomAD compares: South Asian, 0.0023%; no homozygotes.

Submission:

Labcorp Genetics (formerly Invitae), Labcorp
Classification: Uncertain significance. Last evaluated: 2025-10-18. Review status: criteria provided, single submitter. Criteria: Invitae Variant Classification Sherloc (09022015). Collection method: clinical testing. Allele origin: germline.
Comment: This sequence change replaces threonine, which is neutral and polar, with methionine, which is neutral and non-polar, at codon 317 of the MAPKAPK3 protein (p.Thr317Met). The frequency data for this variant in the population databases is considered unreliable, as metrics indicate poor data quality at this position in the gnomAD database. This variant has not been reported in the literature in individuals affected with MAPKAPK3-related conditions. ClinVar contains an entry for this variant (Variation ID: 937777). An algorithm developed to predict the effect of missense changes on protein structure and function (PolyPhen-2) suggests that this variant is likely to be disruptive. In summary, the available evidence is currently insufficient to determine the role of this variant in disease. Therefore, it has been classified as a Variant of Uncertain Significance.

NM_001243925.2(MAPKAPK3):c.950C>T (p.Thr317Met)

Gene: MAPKAPK3 (MAPK activated protein kinase 3; plus strand). Cytogenetic location: 3p21.2.
Variant type: single nucleotide variant.
Coding change: c.950C>T on transcript NM_001243925.2 (MANE Select); coding-DNA position 950, C replaced by T.
Protein change: p.Thr317Met; replaces threonine 317 with methionine.
Molecular consequence: missense variant.
Genome position (GRCh38, 1-based): chr3:50,647,157, C>T. VCF-style: chr3-50647157-C-T. GRCh37 (hg19) VCF-style: chr3-50684588-C-T.
Other names: c.950C>T, p.Thr317Met (NM_001243926.2, NM_004635.5); short protein forms T317M.
Identifiers: ClinVar variation 937777 (VCV000937777.6), dbSNP rs749474530, ClinGen allele CA2420439.